The following is an entry in ClinVar:

NM_000071.3(CBS):c.676G>A (p.Ala226Thr)

Gene: CBS (cystathionine beta-synthase; minus strand). Cytogenetic location: 21q22.3.
Variant type: single nucleotide variant.
Coding change: c.676G>A on transcript NM_000071.3 (MANE Select); coding-DNA position 676, G replaced by A.
Protein change: p.Ala226Thr; replaces alanine 226 with threonine.
Molecular consequence: missense variant.
Genome position (GRCh38, 1-based): chr21:43,065,263, C>T on the plus strand (G>A on the coding strand, the complement: CBS is on the minus strand). VCF-style: chr21-43065263-C-T. GRCh37 (hg19) VCF-style: chr21-44485373-C-T.
Other names: c.676G>A, p.Ala226Thr (NM_001178008.3, NM_001178009.3, NM_001320298.2); c.361G>A, p.Ala121Thr (NM_001321072.1); short protein forms A226T, A121T.
Identifiers: ClinVar variation 370382 (VCV000370382.20), dbSNP rs763835246, ClinGen allele CA16042003.

ClinVar aggregate classification (germline): Pathogenic/Likely pathogenic. Review status: criteria provided, multiple submitters, no conflicts (2 of 4 stars). 8 submissions from 8 submitters: Pathogenic (3); Likely pathogenic (3). 2 of the submissions do not count toward it. Last evaluated 2025-11-30.

Conditions:
HYPERHOMOCYSTEINEMIA, THROMBOTIC, CBS-RELATED. Identifiers: MedGen C3150344, OMIM 236200.
Homocystinuria. Identifiers: MedGen C0019880, MONDO:0004737, HP:0002156.
Classic homocystinuria. Also called: HOMOCYSTINURIA WITH OR WITHOUT RESPONSE TO PYRIDOXINE; Homocystinuria due to Cystathionine Beta-Synthase Deficiency; Homocystinuria due to CBS deficiency; Cystathionine beta-synthase deficiency; CBS deficiency. Identifiers: Orphanet 394, MedGen C0751202, MONDO:0009352, OMIM 236200.

Submissions (8):

Natera, Inc.
Classification: Likely pathogenic for Homocystinuria due to cystathionine beta-synthase deficiency. Last evaluated: 2025-11-30. Review status: criteria provided, single submitter. Criteria: Natera Variant Classification Schema (03/2026). Collection method: clinical testing. Allele origin: germline.
Comment: The c.676G>A variant in CBS is a missense variant predicted to cause substitution of alanine to threonine at amino acid 226. This variant is rare in the general population with a frequency below the threshold expected for the associated phenotype(s). This variant has been observed in one or more individuals affected with the associated recessive disease, as either homozygous or compound heterozygous with a second variant (PMID: 16479318, 15365998, 14635102). Computational prediction algorithms indicate this variant is likely to affect gene or protein function. Given the available evidence, this variant is classified as Likely Pathogenic.

Labcorp Genetics (formerly Invitae), Labcorp
Classification: Pathogenic for HYPERHOMOCYSTEINEMIA, THROMBOTIC, CBS-RELATED. Last evaluated: 2024-12-23. Review status: criteria provided, single submitter. Criteria: Invitae Variant Classification Sherloc (09022015). Collection method: clinical testing. Allele origin: germline.
Comment: This sequence change replaces alanine, which is neutral and non-polar, with threonine, which is neutral and polar, at codon 226 of the CBS protein (p.Ala226Thr). This variant is not present in population databases (gnomAD no frequency). This missense change has been observed in individuals with homocystinuria (PMID: 14635102, 15365998, 21520339). ClinVar contains an entry for this variant (Variation ID: 370382). Invitae Evidence Modeling of protein sequence and biophysical properties (such as structural, functional, and spatial information, amino acid conservation, physicochemical variation, residue mobility, and thermodynamic stability) indicates that this missense variant is expected to disrupt CBS protein function with a positive predictive value of 95%. Experimental studies have shown that this missense change affects CBS function (PMID: 9590298, 14635102, 16429402, 17540596, 20066033, 22267502). For these reasons, this variant has been classified as Pathogenic.

Baylor Genetics
Classification: Likely pathogenic for Classic homocystinuria. Last evaluated: 2023-10-04. Review status: criteria provided, single submitter. Criteria: ACMG Guidelines, 2015. Collection method: clinical testing. Allele origin: unknown.

GeneDx
Classification: Pathogenic. Last evaluated: 2023-04-04. Review status: criteria provided, single submitter. Criteria: GeneDx Variant Classification Process June 2021. Collection method: clinical testing. Allele origin: germline. Affected: yes.
Comment: Functional analysis of p.(A226T) variant is associated with significantly reduced enzyme activity (Urreizti et al., 2006; Kruger et al., 2003); Not observed at significant frequency in large population cohorts (gnomAD); In silico analysis supports that this missense variant does not alter protein structure/function; This variant is associated with the following publications: (PMID: 21520339, 22267502, 14635102, 17540596, 16479318, 31589614, 16429402)

Dasa
Classification: Pathogenic for Classic homocystinuria. Last evaluated: 2022-01-05. Review status: criteria provided, single submitter. Criteria: ACMG Guidelines, 2015. Collection method: clinical testing. Allele origin: germline. Affected: yes. Observed: 1 variant allele.
Comment: The c.676G>A;p.(Ala226Thr) missense variant has been observed in affected individual(s) and ClinVar contains an entry for this variant (ClinVar ID: 370382; PMID: 14635102; 21520339; 15365998; 16429402; 9590298) - PS4. Well-established in vitro or in vivo functional studies support a damaging effect on the gene or gene product (PMID: 22267502, 21520339, 20066033, 17540596) - PS3_moderate. The variant is located in a mutational hot spot and/or critical and well-established functional domain (PALP domain) - PM1. This variant is not present in population databases (rs763835246, gnomAD; ABraOM no frequency) - PM2. The p.(Ala226Thr) was detected homozygous state in analyzed sample and was observed in trans with a pathogenic variant (PMID: 21520339; 14635102)PM3_strong. In summary, the currently available evidence indicates that the variant is pathogenic.

Women's Health and Genetics/Laboratory Corporation of America, LabCorp
Classification: Likely pathogenic for Homocystinuria. Last evaluated: 2021-06-06. Review status: criteria provided, single submitter. Criteria: LabCorp Variant Classification Summary - May 2015. Collection method: clinical testing. Allele origin: germline.
Comment: Variant summary: CBS c.676G>A (p.Ala226Thr) results in a non-conservative amino acid change located in the Pryridoxal-phosphate dependent enzyme domain (IPR001926) of the encoded protein sequence. Three of five in-silico tools predict a damaging effect of the variant on protein function. The variant was absent in 251378 control chromosomes. c.676G>A has been reported in the literature in individuals affected with mild Homocystinuria who are responsive to treatment with Pyridoxine (Vitamin-B6) (example, Kruger_2003, Linnebank_2004, Cozar_2011). These data indicate that the variant may be associated with disease. Several publications report experimental evidence evaluating an impact on protein function. The most pronounced variant effect results in 10%-<30% of normal CBS enzyme activity (example, Kruger_2003, Urreizti_2006). Two clinical diagnostic laboratories have submitted clinical-significance assessments for this variant to ClinVar after 2014 without evidence for independent evaluation. All laboratories classified the variant as pathogenic/likely pathogenic citing overlapping evidence utilized in the context of this evaluation. Based on the evidence outlined above, the variant was classified as likely pathogenic.

Counsyl
Classification: Likely pathogenic for Classic homocystinuria. Last evaluated: 2016-01-29. Review status: no assertion criteria provided. Collection method: clinical testing. Allele origin: unknown. Not counted in ClinVar's aggregate classification.

Child Health and Human Development Program, Research Institute of the McGill University Health Center
Classification: Pathogenic for Classic homocystinuria. Review status: no assertion criteria provided. Collection method: clinical testing. Allele origin: unknown. Inheritance: Autosomal recessive inheritance. Affected: yes. Observed: 1 compound heterozygote. Not counted in ClinVar's aggregate classification.
Comment: Clinical characteristics included lens dislocation and elevated fasting homocysteine.

Literature cited by the submitters: PubMed 16479318 (cited by Natera, Inc.); PubMed 15365998 (cited by 5 submitters); PubMed 14635102 (cited by 5 submitters); PubMed 21520339 (cited by 4 submitters); PubMed 9590298 (cited by 4 submitters); PubMed 16429402 (cited by 4 submitters); PubMed 17540596 (cited by 3 submitters); PubMed 20066033 (cited by 4 submitters); PubMed 22267502 (cited by 4 submitters); PubMed 17056636 (cited by Dasa); PubMed 17601930 (cited by Dasa); PubMed 32245022 (cited by Women's Health and Genetics/Laboratory Corporation of America, LabCorp).